The following is an entry in ClinVar:

ClinVar aggregate classification (germline): Uncertain significance. Review status: criteria provided, multiple submitters, no conflicts (2 of 4 stars). 2 submissions from 2 submitters: Uncertain significance (2). Last evaluated 2025-08-30.

Conditions:
Inborn genetic diseases. Identifiers: MedGen C0950123, MeSH D030342.

Submissions (2):

Ambry Genetics
Classification: Uncertain significance for Inborn genetic diseases. Last evaluated: 2025-08-30. Review status: criteria provided, single submitter. Criteria: Ambry Variant Classification Scheme 2023. Collection method: clinical testing. Allele origin: germline.

Labcorp Genetics (formerly Invitae), Labcorp
Classification: Uncertain significance. Last evaluated: 2021-09-17. Review status: criteria provided, single submitter. Criteria: Invitae Variant Classification Sherloc (09022015). Collection method: clinical testing. Allele origin: germline.
Comment: This sequence change replaces alanine with threonine at codon 107 of the TYMP protein (p.Ala107Thr). The alanine residue is moderately conserved and there is a small physicochemical difference between alanine and threonine. This variant is not present in population databases (ExAC no frequency). This variant has not been reported in the literature in individuals with TYMP-related conditions. Algorithms developed to predict the effect of missense changes on protein structure and function (SIFT, PolyPhen-2, Align-GVGD) all suggest that this variant is likely to be tolerated, but these predictions have not been confirmed by published functional studies and their clinical significance is uncertain. In summary, the available evidence is currently insufficient to determine the role of this variant in disease. Therefore, it has been classified as a Variant of Uncertain Significance.

NM_001953.5(TYMP):c.319G>A (p.Ala107Thr)

Gene: TYMP (thymidine phosphorylase; minus strand). Cytogenetic location: 22q13.33.
Variant type: single nucleotide variant.
Coding change: c.319G>A on transcript NM_001953.5 (MANE Select); coding-DNA position 319, G replaced by A.
Protein change: p.Ala107Thr; replaces alanine 107 with threonine.
Molecular consequence: missense variant.
Genome position (GRCh38, 1-based): chr22:50,529,234, C>T on the plus strand (G>A on the coding strand, the complement: TYMP is on the minus strand). VCF-style: chr22-50529234-C-T. GRCh37 (hg19) VCF-style: chr22-50967663-C-T.
Other names: c.319G>A, p.Ala107Thr (NM_001113755.3, NM_001113756.3, NM_001257988.1 and 1 more transcripts); c.319G>A (NM_001953.3); short protein forms A107T.
Identifiers: ClinVar variation 1485450 (VCV001485450.6), dbSNP rs564457801, ClinGen allele CA412202097.